The following is an entry in ClinVar:

NM_001127222.2(CACNA1A):c.7076A>G (p.His2359Arg)

Gene: CACNA1A (calcium voltage-gated channel subunit alpha1 A; minus strand). Cytogenetic location: 19p13.13.
Variant type: single nucleotide variant.
Coding change: c.7076A>G on transcript NM_001127222.2 (MANE Select); coding-DNA position 7076, A replaced by G.
Protein change: p.His2359Arg; replaces histidine 2359 with arginine.
Molecular consequence: missense variant. On other transcripts: 3 prime UTR variant (3).
Genome position (GRCh38, 1-based): chr19:13,207,758, T>C on the plus strand (A>G on the coding strand, the complement: CACNA1A is on the minus strand). VCF-style: chr19-13207758-T-C. GRCh37 (hg19) VCF-style: chr19-13318572-T-C.
Other names: c.*288A>G (NM_000068.4, NM_001127221.2, NM_001174080.2); c.7094A>G, p.His2365Arg (NM_023035.3); c.7076A>G (NM_001127222.1); short protein forms H2365R, H2359R.
Identifiers: ClinVar variation 4940978 (VCV004940978.2).

ClinVar aggregate classification (germline): Uncertain significance. Review status: criteria provided, multiple submitters, no conflicts (2 of 4 stars). 2 submissions from 2 submitters: Uncertain significance (2). Last evaluated 2025-11-06.

Conditions:
CACNA1A-related disorder. Also called: CACNA1A-related condition.

Submissions (2):

PreventionGenetics, part of Exact Sciences
Classification: Uncertain significance for CACNA1A-related condition. Last evaluated: 2025-11-06. Review status: criteria provided, single submitter. Criteria: ACMG Guidelines, 2015. Collection method: clinical testing. Allele origin: germline.
Comment: The CACNA1A c.7076A>G variant is predicted to result in the amino acid substitution p.His2359Arg. To our knowledge, this variant has not been reported in the literature or in a large population database (gnomAD), indicating this variant is rare. At this time, the clinical significance of this variant is uncertain due to the absence of conclusive functional and genetic evidence.

Blueprint Genetics
Classification: Uncertain significance. Last evaluated: 2019-11-07. Review status: criteria provided, single submitter. Criteria: ACMG Guidelines, 2015. Collection method: clinical testing. Allele origin: germline.